The following is an entry in ClinVar:

ClinVar aggregate classification (germline): Likely benign (0 of 4 stars; one submission).

Conditions:
SGCE-related disorder. Also called: SGCE-related condition.

Submission:

PreventionGenetics, part of Exact Sciences
Classification: Likely benign for SGCE-related condition. Last evaluated: 2019-05-13. Review status: no assertion criteria provided. Collection method: clinical testing. Allele origin: germline.
Comment: This variant is classified as likely benign based on ACMG/AMP sequence variant interpretation guidelines (Richards et al. 2015 PMID: 25741868, with internal and published modifications).

NM_003919.3(SGCE):c.1253+766_1253+767del

Genes: CASD1 (CAS1 domain containing 1; plus strand), SGCE (sarcoglycan epsilon; minus strand). Cytogenetic location: 7q21.3.
Variant type: Deletion.
Coding change: c.1253+766_1253+767del on transcript NM_003919.3 (MANE Select); bases 766 to 767 of the intron after coding-DNA position 1253, 2 bases deleted (TT; older notation c.1253+766_1253+767delTT).
Molecular consequence: intron variant.
Genome position (GRCh38, 1-based): chr7:94,598,008-94,598,009, AA deleted on the plus strand (TT on the coding strand, the reverse complement: SGCE is on the minus strand); deleting any 2 consecutive bases within chr7:94,598,008-94,598,019 gives the same sequence; the c. name uses the placement nearest the transcript's 3' end. VCF-style (leftmost placement, unchanged base first): chr7-94598007-TAA-T. GRCh37 (hg19) VCF-style: chr7-94227319-TAA-T.
Other names: c.1103+766_1103+767del (NM_001362809.2); c.1130+766_1130+767del (NM_001301139.2); c.1226+766_1226+767del (NM_001346717.2, NM_001099400.2); c.1254-5_1254-4del (NM_001099401.2); c.1334+766_1334+767del (NM_001346715.2); c.1361+766_1361+767del (NM_001346713.2); c.1139+766_1139+767del (NM_001362807.2); c.953+766_953+767del (NM_001362808.2); and 2 more.
Identifiers: ClinVar variation 3059877 (VCV003059877.2), dbSNP rs750493304, ClinGen allele CA4348589.